The following is an entry in ClinVar:

NM_000222.3(KIT):c.2105T>C (p.Leu702Pro)

Gene: KIT (KIT proto-oncogene, receptor tyrosine kinase; plus strand). Cytogenetic location: 4q12.
Variant type: single nucleotide variant.
Coding change: c.2105T>C on transcript NM_000222.3 (MANE Select); coding-DNA position 2105, T replaced by C.
Protein change: p.Leu702Pro; replaces leucine 702 with proline.
Molecular consequence: missense variant.
Genome position (GRCh38, 1-based): chr4:54,729,449, T>C. VCF-style: chr4-54729449-T-C. GRCh37 (hg19) VCF-style: chr4-55595615-T-C.
Other names: c.2093T>C, p.Leu698Pro (NM_001093772.2, NM_001385286.1); c.2108T>C, p.Leu703Pro (NM_001385284.1, NM_001385290.1); c.2105T>C, p.Leu702Pro (NM_001385285.1); c.2096T>C, p.Leu699Pro (NM_001385288.1, NM_001385292.1); short protein forms L702P, L698P, L699P, L703P.
Identifiers: ClinVar variation 409778 (VCV000409778.13), dbSNP rs541585774, ClinGen allele CA2923647.

ClinVar aggregate classification (germline): Uncertain significance. Review status: criteria provided, multiple submitters, no conflicts (2 of 4 stars). 4 submissions from 4 submitters: Uncertain significance (4). Last evaluated 2026-01-22.

Conditions:
Hereditary cancer-predisposing syndrome. Also called: Neoplastic Syndromes, Hereditary; Hereditary Cancer Syndrome; Hereditary neoplastic syndrome; Tumor predisposition. Identifiers: Orphanet 140162, MedGen C0027672, MeSH D009386, MONDO:0015356.
Gastrointestinal stromal tumor. Also called: Gastrointestinal stroma tumor; Gastrointestinal stromal tumor, somatic. Identifiers: Orphanet 44890, MedGen C0238198, MeSH D046152, MONDO:0011719, OMIM 606764, HP:0100723.

Allele frequency attached by ClinVar (database versions not stated): gnomAD exomes below 0.00001 and 0.00001; gnomAD 0.00001; ExAC 0.00002; TOPMed 0.00003; 1000 Genomes Project 0.00020; 1000 Genomes Project 30x 0.00031.
gnomAD v4.1: 5 of 1,613,672 alleles (0.00031%); highest among the groups gnomAD compares: African/African-American, 0.0067%; no homozygotes.

Submissions (4):

Labcorp Genetics (formerly Invitae), Labcorp
Classification: Uncertain significance for Gastrointestinal stromal tumor. Last evaluated: 2026-01-22. Review status: criteria provided, single submitter. Criteria: Invitae Variant Classification Sherloc (09022015). Collection method: clinical testing. Allele origin: germline.
Comment: This sequence change replaces leucine, which is neutral and non-polar, with proline, which is neutral and non-polar, at codon 702 of the KIT protein (p.Leu702Pro). This variant is present in population databases (rs541585774, gnomAD 0.02%). This variant has not been reported in the literature in individuals affected with KIT-related conditions. ClinVar contains an entry for this variant (Variation ID: 409778). An algorithm developed to predict the effect of missense changes on protein structure and function (PolyPhen-2) suggests that this variant is likely to be disruptive. In summary, the available evidence is currently insufficient to determine the role of this variant in disease. Therefore, it has been classified as a Variant of Uncertain Significance.

Ambry Genetics
Classification: Uncertain significance for Hereditary cancer-predisposing syndrome. Last evaluated: 2025-10-01. Review status: criteria provided, single submitter. Criteria: Ambry Variant Classification Scheme 2023. Collection method: clinical testing. Allele origin: germline.

GeneDx
Classification: Uncertain significance. Last evaluated: 2024-03-11. Review status: criteria provided, single submitter. Criteria: GeneDx Variant Classification Process June 2021. Collection method: clinical testing. Allele origin: germline. Affected: yes.
Comment: Not observed at significant frequency in large population cohorts (gnomAD); In silico analysis supports that this missense variant does not alter protein structure/function; Has not been previously published as pathogenic or benign to our knowledge

Baylor Genetics
Classification: Uncertain significance for Gastrointestinal stromal tumor. Last evaluated: 2023-09-11. Review status: criteria provided, single submitter. Criteria: ACMG Guidelines, 2015. Collection method: clinical testing. Allele origin: unknown.